The following is an entry in ClinVar:

ClinVar aggregate classification (germline): Pathogenic. Review status: reviewed by expert panel (3 of 4 stars). 2 submissions from 2 submitters: Pathogenic (1). 1 of the submissions does not count toward it. Last evaluated 2017-12-15.

Conditions:
Hereditary breast ovarian cancer syndrome. Also called: Hereditary breast and ovarian cancer syndrome; Hereditary breast and/or ovarian cancer syndrome; BRCA1- and BRCA2-Associated Hereditary Breast and Ovarian Cancer; Hereditary breast and ovarian cancer syndrome (HBOC); Hereditary breast and ovarian cancer; Breast and ovarian cancer. Identifiers: Orphanet 145, MedGen C0677776, MeSH D061325, MONDO:0003582. Disease mechanism: loss of function.
Breast-ovarian cancer, familial, susceptibility to, 2 (BROVCA2). Also called: BRCA2 Hereditary Breast and Ovarian Cancer. Identifiers: Orphanet 145, MedGen C2675520, MONDO:0012933, OMIM 612555. Disease mechanism: loss of function.

gnomAD v4.1: 1 of 1,614,020 alleles (0.000062%); highest among the groups gnomAD compares: Middle Eastern, 0.016%; no homozygotes.

Submissions (2):

Evidence-based Network for the Interpretation of Germline Mutant Alleles (ENIGMA)
Classification: Pathogenic for Breast-ovarian cancer, familial, susceptibility to, 2. Last evaluated: 2017-12-15. Review status: reviewed by expert panel. Criteria: ENIGMA BRCA1/2 Classification Criteria (2017-06-29). Collection method: curation. Allele origin: germline. Study: ENIGMA.
Comment: Variant allele predicted to encode a truncated non-functional protein.

Labcorp Genetics (formerly Invitae), Labcorp
Classification: Pathogenic for Hereditary breast ovarian cancer syndrome. Last evaluated: 2025-11-21. Review status: criteria provided, single submitter. Criteria: Invitae Variant Classification Sherloc (09022015). Collection method: clinical testing. Allele origin: germline. Not counted in ClinVar's aggregate classification.
Comment: This sequence change creates a premature translational stop signal (p.Ser1172*) in the BRCA2 gene. It is expected to result in an absent or disrupted protein product. Loss-of-function variants in BRCA2 are known to be pathogenic (PMID: 20104584). This variant is not present in population databases (gnomAD no frequency). This variant has not been reported in the literature in individuals affected with BRCA2-related conditions. ClinVar contains an entry for this variant (Variation ID: 409595). For these reasons, this variant has been classified as Pathogenic.

Literature cited by the submitters: PubMed 20104584 (cited by Labcorp Genetics (formerly Invitae), Labcorp).

NM_000059.4(BRCA2):c.3515C>A (p.Ser1172Ter)

Gene: BRCA2 (BRCA2 DNA repair associated; plus strand). Cytogenetic location: 13q13.1.
Variant type: single nucleotide variant.
Coding change: c.3515C>A on transcript NM_000059.4 (MANE Select); coding-DNA position 3515, C replaced by A.
Protein change: p.Ser1172Ter; replaces serine 1172 with a stop codon.
Molecular consequence: nonsense.
Genome position (GRCh38, 1-based): chr13:32,337,870, C>A. VCF-style: chr13-32337870-C-A. GRCh37 (hg19) VCF-style: chr13-32912007-C-A.
Other names: short protein forms S1172*.
Identifiers: ClinVar variation 409595 (VCV000409595.10), dbSNP rs80358600, ClinGen allele CA16614291.